The following is an entry in ClinVar:

ClinVar aggregate classification (germline): Pathogenic/Likely pathogenic. Review status: criteria provided, multiple submitters, no conflicts (2 of 4 stars). 2 submissions from 2 submitters: Pathogenic (1); Likely pathogenic (1). Last evaluated 2025-10-29.

Conditions:
Glutaric acidemia type 2C.
Multiple acyl-CoA dehydrogenase deficiency (MADD). Also called: Glutaric Acidemia type 2; ETHYLMALONIC-ADIPICACIDURIA; GA II; Glutaric aciduria, type 2; Glutaric acidemia type II; GA 2. Identifiers: Orphanet 26791, MedGen C0268596, MONDO:0009282, OMIM 231680.

Submissions (2):

Labcorp Genetics (formerly Invitae), Labcorp
Classification: Pathogenic for Multiple acyl-CoA dehydrogenase deficiency. Last evaluated: 2025-10-29. Review status: criteria provided, single submitter. Criteria: Invitae Variant Classification Sherloc (09022015). Collection method: clinical testing. Allele origin: germline.
Comment: This sequence change creates a premature translational stop signal (p.Gln14Serfs*6) in the ETFDH gene. It is expected to result in an absent or disrupted protein product. Loss-of-function variants in ETFDH are known to be pathogenic (PMID: 16510302, 23785301). This variant is not present in population databases (gnomAD no frequency). This variant has not been reported in the literature in individuals affected with ETFDH-related conditions. ClinVar contains an entry for this variant (Variation ID: 2780565). Algorithms developed to predict the effect of sequence changes on RNA splicing suggest that this variant may disrupt the consensus splice site. For these reasons, this variant has been classified as Pathogenic.

Natera, Inc.
Classification: Likely pathogenic for Glutaric acidemia type 2C. Last evaluated: 2025-07-12. Review status: criteria provided, single submitter. Criteria: Natera Variant Classification Schema (03/2026). Collection method: clinical testing. Allele origin: germline.
Comment: The c.40del variant in ETFDH is a frameshift variant predicted to shift the reading frame beginning at codon 14 and leads to a stop codon 6 codons downstream. This variant is expected to result in nonsense mediated decay, truncation, or a dysfunctional protein product. This variant is rare in the general population with a frequency below the threshold expected for the associated phenotype(s). Given the available evidence, this variant is classified as Likely Pathogenic.

Literature cited by the submitters: PubMed 16510302 (cited by Labcorp Genetics (formerly Invitae), Labcorp); PubMed 23785301 (cited by Labcorp Genetics (formerly Invitae), Labcorp).

NM_004453.4(ETFDH):c.40del (p.Gln14fs)

Gene: ETFDH (electron transfer flavoprotein dehydrogenase; plus strand). Cytogenetic location: 4q32.1.
Variant type: Deletion.
Coding change: c.40del on transcript NM_004453.4 (MANE Select); coding-DNA position 40, one base deleted (C; older notation c.40delC).
Protein change: p.Gln14fs; shifts the reading frame from glutamine 14.
Molecular consequence: frameshift variant. On other transcripts: intron variant (1).
Genome position (GRCh38, 1-based): chr4:158,680,472, C deleted. VCF-style (leftmost placement, unchanged base first): chr4-158680471-TC-T. GRCh37 (hg19) VCF-style: chr4-159601623-TC-T.
Other names: c.35-1723del (NM_001281737.2); c.40del (NM_004453.3); short protein forms Q14fs.
Identifiers: ClinVar variation 2780565 (VCV002780565.4), dbSNP rs2479075665, ClinGen allele CA2739270335.